The following is an entry in ClinVar:

ClinVar aggregate classification (germline): Likely benign. Review status: criteria provided, multiple submitters, no conflicts (2 of 4 stars). 3 submissions from 3 submitters: Likely benign (2). 1 of the submissions does not count toward it. Last evaluated 2026-01-04.

Conditions:
KANK1-related disorder. Also called: KANK1-related condition.
Cerebral palsy, spastic quadriplegic, 2 (CPSQ2). Identifiers: Orphanet 210141, MedGen C2752061, MONDO:0013033, OMIM 612900.

Allele frequency attached by ClinVar (database versions not stated): gnomAD 0.00003; TOPMed 0.00003; ExAC 0.00021; gnomAD exomes 0.00026.
gnomAD v4.1: 67 of 1,613,770 alleles (0.0042%); highest among the groups gnomAD compares: Admixed American, 0.11%; 2 homozygotes.

Submissions (3):

Labcorp Genetics (formerly Invitae), Labcorp
Classification: Likely benign. Last evaluated: 2026-01-04. Review status: criteria provided, single submitter. Criteria: Invitae Variant Classification Sherloc (09022015). Collection method: clinical testing. Allele origin: germline.

Fulgent Genetics
Classification: Likely benign for Cerebral palsy, spastic quadriplegic, 2. Last evaluated: 2021-12-29. Review status: criteria provided, single submitter. Criteria: ACMG Guidelines, 2015. Collection method: clinical testing. Allele origin: unknown.

PreventionGenetics, part of Exact Sciences
Classification: Likely benign for KANK1-related condition. Last evaluated: 2022-07-08. Review status: no assertion criteria provided. Collection method: clinical testing. Allele origin: germline. Not counted in ClinVar's aggregate classification.
Comment: This variant is classified as likely benign based on ACMG/AMP sequence variant interpretation guidelines (Richards et al. 2015 PMID: 25741868, with internal and published modifications).

NM_015158.5(KANK1):c.783G>A (p.Gln261=)

Gene: KANK1 (KN motif and ankyrin repeat domains 1; plus strand). Cytogenetic location: 9p24.3.
Variant type: single nucleotide variant.
Coding change: c.783G>A on transcript NM_015158.5 (MANE Select); coding-DNA position 783, G replaced by A.
Protein change: p.Gln261=; no amino-acid change (glutamine 261 retained).
Molecular consequence: synonymous variant. On other transcripts: non-coding transcript variant (1).
Genome position (GRCh38, 1-based): chr9:711,549, G>A. VCF-style: chr9-711549-G-A. GRCh37 (hg19) VCF-style: chr9-711549-G-A.
Other names: c.783G>A, p.Gln261= (NM_001256876.3, NM_001256877.3, NM_001354331.2 and 2 more transcripts); c.309G>A, p.Gln103= (NM_001354333.2, NM_001354335.2, NM_001354336.2 and 9 more transcripts).
Identifiers: ClinVar variation 721115 (VCV000721115.11), dbSNP rs759180739, ClinGen allele CA4960042.